The following is an entry in ClinVar:

NM_006767.4(LZTR1):c.2256C>A (p.Tyr752Ter)

Gene: LZTR1 (leucine zipper like post translational regulator 1; plus strand). Cytogenetic location: 22q11.21.
Variant type: single nucleotide variant.
Coding change: c.2256C>A on transcript NM_006767.4 (MANE Select); coding-DNA position 2256, C replaced by A.
Protein change: p.Tyr752Ter; replaces tyrosine 752 with a stop codon.
Molecular consequence: nonsense.
Genome position (GRCh38, 1-based): chr22:20,996,732, C>A. VCF-style: chr22-20996732-C-A. GRCh37 (hg19) VCF-style: chr22-21351021-C-A.
Other names: short protein forms Y752*.
Identifiers: ClinVar variation 1788526 (VCV001788526.8), dbSNP rs1924866379, ClinGen allele CA410780799.
Genomic context (GRCh38, chr22:20,996,732, plus strand): 5'-GTCAGCTCCTTAACCAGGCCCCAGCTACTTGTTTGCGGCCCCCTACTACTACGGCTTCTA[C>A]AACAACCGGCTGCAGGCGTACTGCAAGCAGAACCTGGAGATGAACGTGACGGTGCAGAAC-3'

ClinVar aggregate classification (germline): Pathogenic. Review status: criteria provided, multiple submitters, no conflicts (2 of 4 stars). 2 submissions from 2 submitters: Pathogenic (2). Last evaluated 2025-10-10.

Conditions:
Hereditary cancer-predisposing syndrome. Also called: Hereditary Cancer Syndrome; Hereditary neoplastic syndrome; Tumor predisposition; Neoplastic Syndromes, Hereditary. Identifiers: Orphanet 140162, MedGen C0027672, MeSH D009386, MONDO:0015356.
Cardiovascular phenotype. Identifiers: MedGen CN230736.

Allele frequency attached by ClinVar (database versions not stated): gnomAD exomes below 0.00001.
gnomAD v4.1: 2 of 1,613,516 alleles (0.00012%); highest among the groups gnomAD compares: Non-Finnish European, 0.00017%; no homozygotes.

Submissions (2):

Ambry Genetics
Classification: Pathogenic for Cardiovascular phenotype; Hereditary cancer-predisposing syndrome. Last evaluated: 2025-10-10. Review status: criteria provided, single submitter. Criteria: Ambry Variant Classification Scheme 2023. Collection method: clinical testing. Allele origin: germline.
Comment: The p.Y752* pathogenic mutation (also known as c.2256C>A), located in coding exon 19 of the LZTR1 gene, results from a C to A substitution at nucleotide position 2256. This changes the amino acid from a tyrosine to a stop codon within coding exon 19. This variant is considered to be rare based on population cohorts in the Genome Aggregation Database (gnomAD). Loss-of-function variants in LZTR1 are related to an increased risk for schwannomas and autosomal recessive Noonan syndrome; however, such associations with autosomal dominant Noonan syndrome have not been observed (Piotrowski A et al. Nat Genet. 2014 Feb;46:182-7; Yamamoto GL et al. J Med Genet. 2015 Jun;52:413-21; Johnston JJ et al. Genet Med. 2018 10;20:1175-1185). Based on the supporting evidence, this variant is pathogenic for an increased risk of LZTR1-related schwannomatosis (SWN) and would be expected to cause autosomal recessive Noonan syndrome when present along with a second pathogenic or likely pathogenic variant on the other allele; however, the association of this alteration with autosomal dominant Noonan syndrome is unlikely.

Labcorp Genetics (formerly Invitae), Labcorp
Classification: Pathogenic. Last evaluated: 2025-07-23. Review status: criteria provided, single submitter. Criteria: Invitae Variant Classification Sherloc (09022015). Collection method: clinical testing. Allele origin: germline.
Comment: This sequence change creates a premature translational stop signal (p.Tyr752*) in the LZTR1 gene. It is expected to result in an absent or disrupted protein product. Loss-of-function variants in LZTR1 are known to be pathogenic (PMID: 24362817, 25335493, 25480913, 25795793, 29469822, 30368668, 30442762, 30442766, 30481304, 30859559). This variant is not present in population databases (gnomAD no frequency). This variant has not been reported in the literature in individuals affected with LZTR1-related conditions. ClinVar contains an entry for this variant (Variation ID: 1788526). For these reasons, this variant has been classified as Pathogenic.

Literature cited by the submitters: PubMed 24362817 (cited by Labcorp Genetics (formerly Invitae), Labcorp); PubMed 25335493 (cited by Labcorp Genetics (formerly Invitae), Labcorp); PubMed 25480913 (cited by Labcorp Genetics (formerly Invitae), Labcorp); PubMed 25795793 (cited by Labcorp Genetics (formerly Invitae), Labcorp); PubMed 29469822 (cited by Labcorp Genetics (formerly Invitae), Labcorp); PubMed 30368668 (cited by Labcorp Genetics (formerly Invitae), Labcorp); PubMed 30442762 (cited by Labcorp Genetics (formerly Invitae), Labcorp); PubMed 30442766 (cited by Labcorp Genetics (formerly Invitae), Labcorp); PubMed 30481304 (cited by Labcorp Genetics (formerly Invitae), Labcorp); PubMed 30859559 (cited by Labcorp Genetics (formerly Invitae), Labcorp).